The following is an entry in ClinVar:

NM_001018005.2(TPM1):c.625G>T (p.Ala209Ser)

Gene: TPM1 (tropomyosin 1; plus strand). Cytogenetic location: 15q22.2.
Variant type: single nucleotide variant.
Coding change: c.625G>T on transcript NM_001018005.2 (MANE Select); coding-DNA position 625, G replaced by T.
Protein change: p.Ala209Ser; replaces alanine 209 with serine.
Molecular consequence: missense variant. On other transcripts: intron variant (6).
Genome position (GRCh38, 1-based): chr15:63,061,774, G>T. VCF-style: chr15-63061774-G-T. GRCh37 (hg19) VCF-style: chr15-63353973-G-T.
Other names: c.625G>T, p.Ala209Ser (NM_001018004.2, NM_001018007.2, NM_001301244.2 and 3 more transcripts); c.517G>T, p.Ala173Ser (NM_001018008.2, NM_001301289.2, NM_001330346.2 and 2 more transcripts); c.751G>T, p.Ala251Ser (NM_001365778.1); c.640-441G>T (NM_001018020.2, NM_001018006.2, NM_000366.6); c.532-441G>T (NM_001330351.2, NM_001330344.2, NM_001365781.2); short protein forms A209S, A251S, A173S.
Identifiers: ClinVar variation 567036 (VCV000567036.9), dbSNP rs730881159, ClinGen allele CA392724303.
Genomic context (GRCh38, chr15:63,061,774, plus strand): 5'-AAATGTGCCGAGCTTGAAGAAGAATTGAAAACTGTGACGAACAACTTGAAGTCACTGGAG[G>T]CTCAGGCTGAGAAGGTAGGCCAGGAGGATGGTGTGGGGGAAAGGCATCTTTTAAGAGCTG-3'
Protein context (NP_001018005.1, residues 199-219): TVTNNLKSLE[Ala209Ser]QAEKYSQKED

ClinVar aggregate classification (germline): Uncertain significance. Review status: criteria provided, multiple submitters, no conflicts (2 of 4 stars). 2 submissions from 2 submitters: Uncertain significance (2). Last evaluated 2023-10-09.

Conditions:
Hypertrophic cardiomyopathy. Also called: HYPERTROPHIC MYOCARDIOPATHY. Identifiers: Orphanet 217569, MedGen C0007194, MeSH D002312, MONDO:0005045, HP:0001639.

Allele frequency attached by ClinVar (database versions not stated): gnomAD exomes below 0.00001.
gnomAD v4.1: 1 of 1,614,138 alleles (0.000062%); highest among the groups gnomAD compares: Non-Finnish European, 0.000085%; no homozygotes.

Submissions (2):

Women's Health and Genetics/Laboratory Corporation of America, LabCorp
Classification: Uncertain significance. Last evaluated: 2023-10-09. Review status: criteria provided, single submitter. Criteria: LabCorp Variant Classification Summary - May 2015. Collection method: clinical testing. Allele origin: germline.

Labcorp Genetics (formerly Invitae), Labcorp
Classification: Uncertain significance for Hypertrophic cardiomyopathy. Last evaluated: 2022-07-19. Review status: criteria provided, single submitter. Criteria: Invitae Variant Classification Sherloc (09022015). Collection method: clinical testing. Allele origin: germline.
Comment: This variant is not present in population databases (gnomAD no frequency). This sequence change replaces alanine, which is neutral and non-polar, with serine, which is neutral and polar, at codon 209 of the TPM1 protein (p.Ala209Ser). This variant has not been reported in the literature in individuals affected with TPM1-related conditions. In summary, the available evidence is currently insufficient to determine the role of this variant in disease. Therefore, it has been classified as a Variant of Uncertain Significance. Algorithms developed to predict the effect of missense changes on protein structure and function are either unavailable or do not agree on the potential impact of this missense change (SIFT: "Tolerated"; PolyPhen-2: "Probably Damaging"; Align-GVGD: "Class C0"). ClinVar contains an entry for this variant (Variation ID: 567036).